The following is an entry in ClinVar:

NM_000038.6(APC):c.8155G>T (p.Glu2719Ter)

Gene: APC (APC regulator of Wnt signaling pathway; plus strand). Cytogenetic location: 5q22.2.
Variant type: single nucleotide variant.
Coding change: c.8155G>T on transcript NM_000038.6 (MANE Select); coding-DNA position 8155, G replaced by T.
Protein change: p.Glu2719Ter; replaces glutamic acid 2719 with a stop codon.
Molecular consequence: nonsense.
Genome position (GRCh38, 1-based): chr5:112,843,749, G>T. VCF-style: chr5-112843749-G-T. GRCh37 (hg19) VCF-style: chr5-112179446-G-T.
Other names: c.7978G>T, p.Glu2660Ter (NM_001354901.2, NM_001407453.1); c.7777G>T, p.Glu2593Ter (NM_001354904.2); c.7675G>T, p.Glu2559Ter (NM_001354905.2); c.7882G>T, p.Glu2628Ter (NM_001354902.2); c.7852G>T, p.Glu2618Ter (NM_001354903.2, NM_001407458.1, NM_001407459.1 and 1 more transcripts); c.8101G>T, p.Glu2701Ter (NM_001127511.3); c.8155G>T, p.Glu2719Ter (NM_001354895.2, NM_001407450.1, NM_001127510.3); c.8209G>T, p.Glu2737Ter (NM_001354896.2, NM_001407447.1, NM_001407448.1 and 1 more transcripts); and 11 more; short protein forms E2436*, E2593*, E2618*, E2678*, E2701*, E2729*, E2335*, E2628*.
Identifiers: ClinVar variation 1762202 (VCV001762202.2), dbSNP rs2533848206, ClinGen allele CA16039035.

ClinVar aggregate classification (germline): Pathogenic (1 of 4 stars; one submission).

Conditions:
Hereditary cancer-predisposing syndrome. Also called: Neoplastic Syndromes, Hereditary; Tumor predisposition; Hereditary Cancer Syndrome; Hereditary neoplastic syndrome. Identifiers: Orphanet 140162, MedGen C0027672, MeSH D009386, MONDO:0015356.

Submission:

Ambry Genetics
Classification: Pathogenic for Hereditary cancer-predisposing syndrome. Last evaluated: 2021-04-01. Review status: criteria provided, single submitter. Criteria: Ambry Variant Classification Scheme 2023. Collection method: clinical testing. Allele origin: germline.
Comment: The p.E2719* pathogenic mutation (also known as c.8155G>T), located in coding exon 15 of the APC gene, results from a G to T substitution at nucleotide position 8155. This changes the amino acid from a glutamic acid to a stop codon within coding exon 15. This alteration occurs at the 3' terminus of theAPC gene, is not expected to trigger nonsense-mediated mRNA decay, and only impacts the last 125 amino acids of the protein. However, premature stop codons are typically deleterious in nature and the impacted region is critical for protein function (Ambry internal data). Based on the supporting evidence, this alteration is interpreted as a disease-causing mutation.